The following is an entry in ClinVar:

NM_000321.3(RB1):c.1274T>A (p.Ile425Asn)

Gene: RB1 (RB transcriptional corepressor 1; plus strand). Cytogenetic location: 13q14.2.
Variant type: single nucleotide variant.
Coding change: c.1274T>A on transcript NM_000321.3 (MANE Select); coding-DNA position 1274, T replaced by A.
Protein change: p.Ile425Asn; replaces isoleucine 425 with asparagine.
Molecular consequence: missense variant.
Genome position (GRCh38, 1-based): chr13:48,376,976, T>A. VCF-style: chr13-48376976-T-A. GRCh37 (hg19) VCF-style: chr13-48951112-T-A.
Other names: c.1274T>A (NM_000321.2); short protein forms I425N.
Identifiers: ClinVar variation 1390362 (VCV001390362.7), dbSNP rs1464633359, ClinGen allele CA388162063.

ClinVar aggregate classification (germline): Uncertain significance. Review status: criteria provided, multiple submitters, no conflicts (2 of 4 stars). 2 submissions from 2 submitters: Uncertain significance (2). Last evaluated 2024-05-16.

Conditions:
Hereditary cancer-predisposing syndrome. Also called: Neoplastic Syndromes, Hereditary; Tumor predisposition; Hereditary neoplastic syndrome; Hereditary Cancer Syndrome. Identifiers: Orphanet 140162, MedGen C0027672, MeSH D009386, MONDO:0015356.
Retinoblastoma (RB1). Also called: RETINOBLASTOMA, SOMATIC. Identifiers: Orphanet 790, MedGen C0035335, MeSH D012175, MONDO:0008380, OMIM 180200, HP:0009919. Disease mechanism: loss of function. Inheritance: Both sporadic and heritable forms are tested..

Allele frequency attached by ClinVar (database versions not stated): gnomAD exomes below 0.00001.
gnomAD v4.1: 2 of 1,613,856 alleles (0.00012%); highest among the groups gnomAD compares: African/African-American, 0.0013%; no homozygotes.

Submissions (2):

Ambry Genetics
Classification: Uncertain significance for Hereditary cancer-predisposing syndrome. Last evaluated: 2024-05-16. Review status: criteria provided, single submitter. Criteria: Ambry Variant Classification Scheme 2023. Collection method: clinical testing. Allele origin: germline.
Comment: The p.I425N variant (also known as c.1274T>A), located in coding exon 13 of the RB1 gene, results from a T to A substitution at nucleotide position 1274. The isoleucine at codon 425 is replaced by asparagine, an amino acid with dissimilar properties. This amino acid position is conserved. In addition, the in silico prediction for this alteration is inconclusive. Based on the available evidence, the clinical significance of this variant remains unclear.

Labcorp Genetics (formerly Invitae), Labcorp
Classification: Uncertain significance for Retinoblastoma. Last evaluated: 2021-10-31. Review status: criteria provided, single submitter. Criteria: Invitae Variant Classification Sherloc (09022015). Collection method: clinical testing. Allele origin: germline.
Comment: Algorithms developed to predict the effect of missense changes on protein structure and function (SIFT, PolyPhen-2, Align-GVGD) all suggest that this variant is likely to be disruptive. In summary, the available evidence is currently insufficient to determine the role of this variant in disease. Therefore, it has been classified as a Variant of Uncertain Significance. This variant has not been reported in the literature in individuals affected with RB1-related conditions. This variant is not present in population databases (gnomAD no frequency). This sequence change replaces isoleucine, which is neutral and non-polar, with asparagine, which is neutral and polar, at codon 425 of the RB1 protein (p.Ile425Asn).